The following is an entry in ClinVar:

ClinVar aggregate classification (germline): Uncertain significance (1 of 4 stars; one submission).

Submission:

Women's Health and Genetics/Laboratory Corporation of America, LabCorp
Classification: Uncertain significance. Last evaluated: 2025-10-17. Review status: criteria provided, single submitter. Criteria: LabCorp Variant Classification Summary - May 2015. Collection method: clinical testing. Allele origin: germline.
Comment: Variant summary: The variant involves the deletion of exons 3-8 in the FBN2 gene. A presumed nomenclature of c.(337+1_338-1)_(1078+1_1079-1)del has been designated for the purposes of this classification. This Copy Number Variant (CNV) is predicted to result in an in-frame deletion within this gene. Current evidence is not sufficient to establish loss of function as a mechanism for disease. The variant was absent in 21694 control chromosomes. The available data on variant occurrences in the general population are insufficient to allow any conclusion about variant significance. To our knowledge, no occurrence of c.(337+1_338-1)_(1078+1_1079-1)del in individuals affected with FBN2-related conditions and no experimental evidence demonstrating its impact on protein function have been reported. ClinVar contains an entry for this variant (Variation ID: 253630). Based on the evidence outlined above, the variant was classified as uncertain significance.

NC_000005.9:g.(127730968_127744366)_(127866387_127872094)del

Gene: FBN2 (fibrillin 2; minus strand). Cytogenetic location: 5q23.3.
Variant type: Deletion.
Identifiers: ClinVar variation 4687214 (VCV004687214.1).